The following is an entry in ClinVar:

NM_001271.4(CHD2):c.1384A>T (p.Lys462Ter)

Gene: CHD2 (chromodomain helicase DNA binding protein 2; plus strand). Cytogenetic location: 15q26.1.
Variant type: single nucleotide variant.
Coding change: c.1384A>T on transcript NM_001271.4 (MANE Select); coding-DNA position 1384, A replaced by T.
Protein change: p.Lys462Ter; replaces lysine 462 with a stop codon.
Molecular consequence: nonsense.
Genome position (GRCh38, 1-based): chr15:92,948,958, A>T. VCF-style: chr15-92948958-A-T. GRCh37 (hg19) VCF-style: chr15-93492188-A-T.
Other names: c.1384A>T, p.Lys462Ter (NM_001042572.3); short protein forms K462*.
Identifiers: ClinVar variation 4714453 (VCV004714453.1).

ClinVar aggregate classification (germline): Pathogenic (1 of 4 stars; one submission).

Conditions:
Developmental and epileptic encephalopathy 94 (DEE94). Also called: CHD2-Related Neurodevelopmental Disorders; Epileptic encephalopathy, childhood-onset. Identifiers: Orphanet 1942, Orphanet 2382, MedGen C3809278, MONDO:0014150, OMIM 615369.

Submission:

Labcorp Genetics (formerly Invitae), Labcorp
Classification: Pathogenic for Developmental and epileptic encephalopathy 94. Last evaluated: 2025-03-05. Review status: criteria provided, single submitter. Criteria: Invitae Variant Classification Sherloc (09022015). Collection method: clinical testing. Allele origin: germline.
Comment: This sequence change creates a premature translational stop signal (p.Lys462*) in the CHD2 gene. It is expected to result in an absent or disrupted protein product. Loss-of-function variants in CHD2 are known to be pathogenic (PMID: 23708187, 24207121). This variant is not present in population databases (gnomAD no frequency). This variant has not been reported in the literature in individuals affected with CHD2-related conditions. For these reasons, this variant has been classified as Pathogenic.

Literature cited by the submitters: PubMed 23708187; PubMed 24207121.